The following is an entry in ClinVar:

ClinVar aggregate classification (germline): Uncertain significance (1 of 4 stars; one submission).

Conditions:
Anauxetic dysplasia. Identifiers: Orphanet 93347, MedGen C1846796, MONDO:0011773.

gnomAD v4.1: 1 of 700,448 alleles (0.00014%); highest among the groups gnomAD compares: Non-Finnish European, 0.00026%; no homozygotes.

Submission:

Labcorp Genetics (formerly Invitae), Labcorp
Classification: Uncertain significance for Anauxetic dysplasia. Last evaluated: 2024-10-16. Review status: criteria provided, single submitter. Criteria: Invitae Variant Classification Sherloc (09022015). Collection method: clinical testing. Allele origin: germline.
Comment: This variant occurs in the RMRP gene, which encodes an RNA molecule that does not result in a protein product. This variant is not present in population databases (gnomAD no frequency). This variant has not been reported in the literature in individuals affected with RMRP-related conditions. ClinVar contains an entry for this variant (Variation ID: 1938581). Experimental studies and prediction algorithms are not available or were not evaluated, and the functional significance of this variant is currently unknown. In summary, the available evidence is currently insufficient to determine the role of this variant in disease. Therefore, it has been classified as a Variant of Uncertain Significance.

NC_000009.12:g.35657946T>C

Gene: RMRP (RNA component of mitochondrial RNA processing endoribonuclease; minus strand). Cytogenetic location: 9p13.3.
Variant type: single nucleotide variant.
Genome position: GRCh38 VCF-style: chr9-35657946-T-C. GRCh37 (hg19) VCF-style: chr9-35657943-T-C.
Identifiers: ClinVar variation 1938581 (VCV001938581.4), dbSNP rs1823621810, ClinGen allele CA464450867.